The following is an entry in ClinVar:

ClinVar aggregate classification (germline): Likely benign (1 of 4 stars; one submission).

Submission:

CeGaT Center for Human Genetics Tuebingen
Classification: Likely benign. Last evaluated: 2025-04-01. Review status: criteria provided, single submitter. Criteria: CeGaT Center For Human Genetics Tuebingen Variant Classification Criteria Version 2. Collection method: clinical testing. Allele origin: germline. Affected: yes. Observed: 1 variant allele.
Comment: VCX: BP4, BP7

NM_001393662.1(VCX):c.201G>A (p.Ala67=)

Gene: VCX (variable charge X-linked; plus strand). Cytogenetic location: Xp22.31.
Variant type: single nucleotide variant.
Coding change: c.201G>A on transcript NM_001393662.1 (MANE Select); coding-DNA position 201, G replaced by A.
Protein change: p.Ala67=; no amino-acid change (alanine 67 retained).
Molecular consequence: synonymous variant.
Genome position (GRCh38, 1-based): chrX:7,843,596, G>A. VCF-style: chrX-7843596-G-A. GRCh37 (hg19) VCF-style: chrX-7811637-G-A.
Other names: c.201G>A, p.Ala67= (NM_013452.3).
Identifiers: ClinVar variation 3898344 (VCV003898344.7).